The following is an entry in ClinVar:

NM_001166108.2(PALLD):c.2595T>G (p.Asn865Lys)

Genes: CBR4 (carbonyl reductase 4; minus strand), PALLD (palladin, cytoskeletal associated protein; plus strand). Cytogenetic location: 4q32.3.
Variant type: single nucleotide variant.
Coding change: c.2595T>G on transcript NM_001166108.2 (MANE Select); coding-DNA position 2595, T replaced by G.
Protein change: p.Asn865Lys; replaces asparagine 865 with lysine.
Molecular consequence: missense variant.
Genome position (GRCh38, 1-based): chr4:168,903,879, T>G. VCF-style: chr4-168903879-T-G. GRCh37 (hg19) VCF-style: chr4-169825030-T-G.
Other names: c.1398T>G, p.Asn466Lys (NM_001166109.2); c.1083T>G, p.Asn361Lys (NM_001166110.2); c.423T>G, p.Asn141Lys (NM_001367567.1, NM_001367569.1); c.474T>G, p.Asn158Lys (NM_001367568.1, NM_001367570.1); c.2544T>G, p.Asn848Lys (NM_016081.4); short protein forms N141K, N158K, N361K, N466K, N848K, N865K.
Identifiers: ClinVar variation 3226777 (VCV003226777.1), dbSNP rs2533840574, ClinGen allele CA358799500.
Genomic context (GRCh38, chr4:168,903,879, plus strand): 5'-AGATCTCGATGGGACCTGCTCCCTCCATACCACAGCCTCCACCCTAGATGATGATGGGAA[T>G]TATACAATTATGGCTGCAAACCCTCAGGTAAAGAAGGGTATAGGTCTGGGCTCAGTTCTG-3'
Protein context (NP_001159580.1, residues 855-875): TTASTLDDDG[Asn865Lys]YTIMAANPQG

ClinVar aggregate classification (germline): Uncertain significance (1 of 4 stars; one submission).

Submission:

Ambry Genetics
Classification: Uncertain significance. Last evaluated: 2023-10-20. Review status: criteria provided, single submitter. Criteria: Ambry Variant Classification Scheme 2023. Collection method: clinical testing. Allele origin: germline.
Comment: The p.N848K variant (also known as c.2544T>G), located in coding exon 13 of the PALLD gene, results from a T to G substitution at nucleotide position 2544. The asparagine at codon 848 is replaced by lysine, an amino acid with similar properties. This amino acid position is conserved. In addition, this alteration is predicted to be tolerated by in silico analysis. Since supporting evidence is limited at this time, the clinical significance of this alteration remains unclear.